The following is an entry in ClinVar:

ClinVar aggregate classification (germline): Uncertain significance. Review status: criteria provided, multiple submitters, no conflicts (2 of 4 stars). 2 submissions from 2 submitters: Uncertain significance (2). Last evaluated 2022-08-21.

Conditions:
Transcobalamin II deficiency (TCN2D). Also called: TC II DEFICIENCY; TCN2 DEFICIENCY; Transcolabamin II deficiency. Identifiers: Orphanet 859, MedGen C0342701, MONDO:0010149, OMIM 275350.

Allele frequency attached by ClinVar (database versions not stated): gnomAD exomes below 0.00001; ExAC 0.00001; gnomAD 0.00002; TOPMed 0.00002.

Submissions (2):

Labcorp Genetics (formerly Invitae), Labcorp
Classification: Uncertain significance for Transcobalamin II deficiency. Last evaluated: 2022-08-21. Review status: criteria provided, single submitter. Criteria: Invitae Variant Classification Sherloc (09022015). Collection method: clinical testing. Allele origin: germline.
Comment: This sequence change falls in intron 5 of the TCN2 gene. It does not directly change the encoded amino acid sequence of the TCN2 protein. It affects a nucleotide within the consensus splice site. This variant is present in population databases (rs749028271, gnomAD 0.0009%). This variant has not been reported in the literature in individuals affected with TCN2-related conditions. ClinVar contains an entry for this variant (Variation ID: 1330489). Variants that disrupt the consensus splice site are a relatively common cause of aberrant splicing (PMID: 17576681, 9536098). Algorithms developed to predict the effect of sequence changes on RNA splicing suggest that this variant may disrupt the consensus splice site. In summary, the available evidence is currently insufficient to determine the role of this variant in disease. Therefore, it has been classified as a Variant of Uncertain Significance.

ARUP Laboratories, Molecular Genetics and Genomics, ARUP Laboratories
Classification: Uncertain significance for Transcobalamin II deficiency. Last evaluated: 2021-09-03. Review status: criteria provided, single submitter. Criteria: ARUP Molecular Germline Variant Investigation Process 2021. Collection method: clinical testing. Allele origin: germline.
Comment: The TCN2 c.753+5G>A variant (rs749028271), to our knowledge, is not reported in the medical literature or gene-specific databases. It is observed on only one allele in the Genome Aggregation Database, indicating it is not a common polymorphism. This is an intronic variant in a moderately conserved nucleotide, and computational analyses (Alamut v.2.11) predict that this variant may impact splicing by weakening the nearby canonical donor splice site. However, due to limited information, the clinical significance of the c.753+5G>A variant is uncertain at this time.

Literature cited by the submitters: PubMed 17576681 (cited by Labcorp Genetics (formerly Invitae), Labcorp); PubMed 9536098 (cited by Labcorp Genetics (formerly Invitae), Labcorp).

NM_000355.4(TCN2):c.753+5G>A

Gene: TCN2 (transcobalamin 2; plus strand). Cytogenetic location: 22q12.2.
Variant type: single nucleotide variant.
Coding change: c.753+5G>A on transcript NM_000355.4 (MANE Select); 5 bases into the intron after coding-DNA position 753, G replaced by A.
Molecular consequence: intron variant.
Genome position (GRCh38, 1-based): chr22:30,615,478, G>A. VCF-style: chr22-30615478-G-A. GRCh37 (hg19) VCF-style: chr22-31011465-G-A.
Other names: c.672+5G>A (NM_001184726.2).
Identifiers: ClinVar variation 1330489 (VCV001330489.8), dbSNP rs749028271, ClinGen allele CA10184796.